The following is an entry in ClinVar:

ClinVar aggregate classification (germline): Likely pathogenic (1 of 4 stars; one submission).

Conditions:
Osteogenesis imperfecta type I (OI1). Also called: Lobstein's Disease; Lobstein disease; OI, TYPE I; OSTEOGENESIS IMPERFECTA TARDA; OSTEOGENESIS IMPERFECTA WITH BLUE SCLERAE; Osteogenesis imperfecta type 1. Identifiers: Orphanet 216796, Orphanet 666, MedGen C0023931, MONDO:0008146, OMIM 166200. Disease mechanism: loss of function.

Submission:

Labcorp Genetics (formerly Invitae), Labcorp
Classification: Likely pathogenic for Osteogenesis imperfecta type I. Last evaluated: 2024-08-21. Review status: criteria provided, single submitter. Criteria: Invitae Variant Classification Sherloc (09022015). Collection method: clinical testing. Allele origin: germline.
Comment: This sequence change replaces threonine, which is neutral and polar, with serine, which is neutral and polar, at codon 1367 of the COL1A1 protein (p.Thr1367Ser). This variant is not present in population databases (gnomAD no frequency). This variant has not been reported in the literature in individuals affected with COL1A1-related conditions. Invitae Evidence Modeling of protein sequence and biophysical properties (such as structural, functional, and spatial information, amino acid conservation, physicochemical variation, residue mobility, and thermodynamic stability) indicates that this missense variant is expected to disrupt COL1A1 protein function with a positive predictive value of 95%. This variant disrupts the p.Thr1367 amino acid residue in COL1A1. Other variant(s) that disrupt this residue have been determined to be pathogenic (PMID: 32595695; internal data). This suggests that this residue is clinically significant, and that variants that disrupt this residue are likely to be disease-causing. In summary, the currently available evidence indicates that the variant is pathogenic, but additional data are needed to prove that conclusively. Therefore, this variant has been classified as Likely Pathogenic.

Literature cited by the submitters: PubMed 32595695.

NM_000088.4(COL1A1):c.4099A>T (p.Thr1367Ser)

Gene: COL1A1 (collagen type I alpha 1 chain; minus strand). Cytogenetic location: 17q21.33.
Variant type: single nucleotide variant.
Coding change: c.4099A>T on transcript NM_000088.4 (MANE Select); coding-DNA position 4099, A replaced by T.
Protein change: p.Thr1367Ser; replaces threonine 1367 with serine.
Molecular consequence: missense variant.
Genome position (GRCh38, 1-based): chr17:50,185,927, T>A on the plus strand (A>T on the coding strand, the complement: COL1A1 is on the minus strand). VCF-style: chr17-50185927-T-A. GRCh37 (hg19) VCF-style: chr17-48263288-T-A.
Other names: short protein forms T1367S.
Identifiers: ClinVar variation 3706479 (VCV003706479.2).